The following is an entry in ClinVar:

NM_145200.5(CABP4):c.187G>A (p.Gly63Ser)

Gene: CABP4 (calcium binding protein 4; plus strand). Cytogenetic location: 11q13.2.
Variant type: single nucleotide variant.
Coding change: c.187G>A on transcript NM_145200.5 (MANE Select); coding-DNA position 187, G replaced by A.
Protein change: p.Gly63Ser; replaces glycine 63 with serine.
Molecular consequence: missense variant. On other transcripts: 5 prime UTR variant (2), non-coding transcript variant (1), intron variant (1).
Genome position (GRCh38, 1-based): chr11:67,455,610, G>A. VCF-style: chr11-67455610-G-A. GRCh37 (hg19) VCF-style: chr11-67223081-G-A.
Other names: c.-197G>A (NM_001300895.3); c.-211G>A (NM_001379183.1); c.-112-99G>A (NM_001300896.3); c.187G>A (NM_145200.3); short protein forms G63S.
Identifiers: ClinVar variation 193500 (VCV000193500.16), dbSNP rs767502632, ClinGen allele CA239030.

ClinVar aggregate classification (germline): Conflicting classifications of pathogenicity. Review status: criteria provided, conflicting classifications (1 of 4 stars). 4 submissions from 4 submitters: Uncertain significance (1); Likely benign (3). Last evaluated 2026-01-01.

Conditions:
CABP4-related disorder. Also called: CABP4-related condition.

Allele frequency attached by ClinVar (database versions not stated): gnomAD 0.00004 and 0.00005; gnomAD exomes 0.00006 and 0.00034; TOPMed 0.00013; 1000 Genomes Project 30x 0.00016; ExAC 0.00035.

Submissions (4):

Labcorp Genetics (formerly Invitae), Labcorp
Classification: Likely benign. Last evaluated: 2026-01-01. Review status: criteria provided, single submitter. Criteria: Invitae Variant Classification Sherloc (09022015). Collection method: clinical testing. Allele origin: germline.

PreventionGenetics, part of Exact Sciences
Classification: Likely benign for CABP4-related condition. Last evaluated: 2025-02-11. Review status: criteria provided, single submitter. Criteria: ACMG Guidelines, 2015. Collection method: clinical testing. Allele origin: germline.
Comment: This variant is classified as likely benign based on ACMG/AMP sequence variant interpretation guidelines (Richards et al. 2015 PMID: 25741868, with internal and published modifications).

Blueprint Genetics
Classification: Likely benign. Last evaluated: 2022-01-20. Review status: criteria provided, single submitter. Criteria: ACMG Guidelines, 2015. Collection method: clinical testing. Allele origin: germline.

Eurofins Ntd Llc (ga)
Classification: Uncertain significance. Last evaluated: 2014-05-07. Review status: criteria provided, single submitter. Criteria: EGL Classification Definitions 2015. Collection method: clinical testing. Allele origin: germline. Observed: 1 variant allele, 1 heterozygote.